The following is an entry in ClinVar:

ClinVar aggregate classification (germline): Uncertain significance. Review status: criteria provided, multiple submitters, no conflicts (2 of 4 stars). 4 submissions from 4 submitters: Uncertain significance (3). 1 of the submissions does not count toward it. Last evaluated 2023-12-26.

Conditions:
Inborn genetic diseases. Identifiers: MedGen C0950123, MeSH D030342.

Allele frequency attached by ClinVar (database versions not stated): gnomAD 0.00009 and 0.00011; TOPMed 0.00014.
gnomAD v4.1: 119 of 1,549,890 alleles (0.0077%); highest among the groups gnomAD compares: Admixed American, 0.02%; no homozygotes.

Submissions (4):

Mayo Clinic Laboratories, Mayo Clinic
Classification: Uncertain significance. Last evaluated: 2023-12-26. Review status: criteria provided, single submitter. Criteria: ACMG Guidelines, 2015. Collection method: clinical testing. Allele origin: germline. Observed: 1 variant allele.

Revvity Omics, Revvity
Classification: Uncertain significance. Last evaluated: 2022-09-17. Review status: criteria provided, single submitter. Criteria: ACMG Guidelines, 2015. Collection method: clinical testing. Allele origin: germline.

Ambry Genetics
Classification: Uncertain significance for Inborn genetic diseases. Last evaluated: 2021-06-23. Review status: criteria provided, single submitter. Criteria: Ambry Variant Classification Scheme 2023. Collection method: clinical testing. Allele origin: germline.

Department of Pathology and Laboratory Medicine, Sinai Health System
Classification: Uncertain significance. Review status: no assertion criteria provided. Collection method: clinical testing. Allele origin: unknown. Affected: yes. Study: The Canadian Open Genetics Repository (COGR). Not counted in ClinVar's aggregate classification.
Comment: The PIEZO1 p.Thr1132Ser variant was not identified in the literature nor was it identified in ClinVar. The variant was identified in dbSNP (ID: rs767222696) and in control databases in 10 of 150902 chromosomes at a frequency of 0.00006627 (Genome Aggregation Database March 6, 2019, v2.1.1). The variant was observed in the following populations: Other in 1 of 4290 chromosomes (freq: 0.000233), European (non-Finnish) in 8 of 57346 chromosomes (freq: 0.00014) and African in 1 of 7488 chromosomes (freq: 0.000134), but was not observed in the Latino, Ashkenazi Jewish, East Asian, European (Finnish), or South Asian populations. The p.Thr1132 residue is not conserved in mammals and computational analyses (PolyPhen-2, SIFT, AlignGVGD, BLOSUM, MutationTaster) do not suggest a high likelihood of impact to the protein; however, this information is not predictive enough to rule out pathogenicity. The variant occurs outside of the splicing consensus sequence and 1 of 4 in silico or computational prediction software programs (SpliceSiteFinder, MaxEntScan, NNSPLICE, GeneSplicer) predict a greater than 10% difference in splicing; this is not very predictive of pathogenicity. In summary, based on the above information the clinical significance of this variant cannot be determined with certainty at this time. This variant is classified as a variant of uncertain significance.

NM_001142864.4(PIEZO1):c.3395C>G (p.Thr1132Ser)

Gene: PIEZO1 (piezo type mechanosensitive ion channel component 1 (Er blood group); minus strand). Cytogenetic location: 16q24.3.
Variant type: single nucleotide variant.
Coding change: c.3395C>G on transcript NM_001142864.4 (MANE Select); coding-DNA position 3395, C replaced by G.
Protein change: p.Thr1132Ser; replaces threonine 1132 with serine.
Molecular consequence: missense variant.
Genome position (GRCh38, 1-based): chr16:88,727,099, G>C on the plus strand (C>G on the coding strand, the complement: PIEZO1 is on the minus strand). VCF-style: chr16-88727099-G-C. GRCh37 (hg19) VCF-style: chr16-88793507-G-C.
Other names: p.Thr1132Ser; c.3395C>G (NM_001142864.2); short protein forms T1132S.
Identifiers: ClinVar variation 1050650 (VCV001050650.7), dbSNP rs767222696, ClinGen allele CA286413929.